The following is an entry in ClinVar:

ClinVar aggregate classification (germline): Benign/Likely benign. Review status: criteria provided, multiple submitters, no conflicts (2 of 4 stars). 4 submissions from 4 submitters: Benign (3); Likely benign (1). Last evaluated 2026-01-27.

Allele frequency attached by ClinVar (database versions not stated): gnomAD exomes 0.00362; ExAC 0.00374; ESP Exome Variant Server 0.00878; gnomAD 0.00938 and 0.00991; 1000 Genomes Project 0.01058; TOPMed 0.01083; 1000 Genomes Project 30x 0.01093.

Submissions (4):

Labcorp Genetics (formerly Invitae), Labcorp
Classification: Benign. Last evaluated: 2026-01-27. Review status: criteria provided, single submitter. Criteria: Invitae Variant Classification Sherloc (09022015). Collection method: clinical testing. Allele origin: germline.

Blueprint Genetics
Classification: Likely benign. Last evaluated: 2024-11-28. Review status: criteria provided, single submitter. Criteria: ACMG Guidelines, 2015. Collection method: clinical testing. Allele origin: germline.

Mayo Clinic Laboratories, Mayo Clinic
Classification: Benign. Last evaluated: 2024-01-09. Review status: criteria provided, single submitter. Criteria: ACMG Guidelines, 2015. Collection method: clinical testing. Allele origin: germline. Observed: 9 variant alleles.
Comment: BS1, BS2, BP4, BP7

Breakthrough Genomics
Classification: Benign. Review status: criteria provided, single submitter. Criteria: ACMG Guidelines, 2015. Collection method: not provided. Allele origin: germline. Inheritance: Autosomal dominant inheritance. Affected: yes.

NM_030773.4(TUBB1):c.1305T>C (p.Asp435=)

Gene: TUBB1 (tubulin beta 1 class VI; plus strand). Cytogenetic location: 20q13.32.
Variant type: single nucleotide variant.
Coding change: c.1305T>C on transcript NM_030773.4 (MANE Select); coding-DNA position 1305, T replaced by C.
Protein change: p.Asp435=; no amino-acid change (aspartic acid 435 retained).
Molecular consequence: synonymous variant.
Genome position (GRCh38, 1-based): chr20:59,024,732, T>C. VCF-style: chr20-59024732-T-C. GRCh37 (hg19) VCF-style: chr20-57599787-T-C.
Other names: p.Asp435=.
Identifiers: ClinVar variation 769474 (VCV000769474.12), dbSNP rs34074666, ClinGen allele CA9928693.
Genomic context (GRCh38, chr20:59,024,732, plus strand): 5'-CCATGATTTGGTATCCGAGTACCAACAATTTCAAGATGCCAAAGCAGTTCTAGAGGAAGA[T>C]GAAGAGGTCACGGAGGAGGCAGAAATGGAGCCAGAAGATAAGGGACATTAACTGTGAGAG-3'
Protein context (NP_110400.1, residues 425-445): FQDAKAVLEE[Asp435=]EEVTEEAEME